The following is an entry in ClinVar:

ClinVar aggregate classification (germline): Uncertain significance. Review status: criteria provided, multiple submitters, no conflicts (2 of 4 stars). 2 submissions from 2 submitters: Uncertain significance (2). Last evaluated 2024-11-11.

Conditions:
Danon disease. Also called: ANTOPOL DISEASE; PSEUDOGLYCOGENOSIS II; GSD IIb; LYSOSOMAL GLYCOGEN STORAGE DISEASE WITHOUT ACID MALTASE DEFICIENCY; Glycogen Storage Disease Type IIb. Identifiers: Orphanet 34587, MedGen C0878677, MONDO:0010281, OMIM 300257.
Cardiovascular phenotype. Identifiers: MedGen CN230736.

Allele frequency attached by ClinVar (database versions not stated): gnomAD 0.00003; TOPMed 0.00003.

Submissions (2):

Labcorp Genetics (formerly Invitae), Labcorp
Classification: Uncertain significance for Danon disease. Last evaluated: 2024-11-11. Review status: criteria provided, single submitter. Criteria: Invitae Variant Classification Sherloc (09022015). Collection method: clinical testing. Allele origin: germline.
Comment: This sequence change replaces histidine, which is basic and polar, with tyrosine, which is neutral and polar, at codon 402 of the LAMP2 protein (p.His402Tyr). This variant is present in population databases (no rsID available, gnomAD 0.005%), including at least one homozygous and/or hemizygous individual. This variant has not been reported in the literature in individuals affected with LAMP2-related conditions. ClinVar contains an entry for this variant (Variation ID: 1748376). Invitae Evidence Modeling of protein sequence and biophysical properties (such as structural, functional, and spatial information, amino acid conservation, physicochemical variation, residue mobility, and thermodynamic stability) indicates that this missense variant is not expected to disrupt LAMP2 protein function with a negative predictive value of 80%. In summary, the available evidence is currently insufficient to determine the role of this variant in disease. Therefore, it has been classified as a Variant of Uncertain Significance.

Ambry Genetics
Classification: Uncertain significance for Cardiovascular phenotype. Last evaluated: 2021-03-02. Review status: criteria provided, single submitter. Criteria: Ambry Variant Classification Scheme 2023. Collection method: clinical testing. Allele origin: germline.
Comment: The p.H402Y variant (also known as c.1204C>T), located in coding exon 9 of the LAMP2 gene, results from a C to T substitution at nucleotide position 1204. The histidine at codon 402 is replaced by tyrosine, an amino acid with similar properties. Based on data from gnomAD, the T allele has an overall frequency of 0.0006% (1/181359) total alleles studied, with 1 hemizygote(s) observed. The highest observed frequency was 0.005% (1/19077) of South Asian alleles. This amino acid position is poorly conserved in available vertebrate species. In addition, this alteration is predicted to be tolerated by in silico analysis. Since supporting evidence is limited at this time, the clinical significance of this alteration remains unclear.

NM_002294.3(LAMP2):c.1204C>T (p.His402Tyr)

Gene: LAMP2 (lysosome associated membrane protein 2; minus strand). Cytogenetic location: Xq24.
Variant type: single nucleotide variant.
Coding change: c.1204C>T on transcript NM_002294.3 (MANE Select); coding-DNA position 1204, C replaced by T.
Protein change: p.His402Tyr; replaces histidine 402 with tyrosine.
Molecular consequence: missense variant. On other transcripts: intron variant (1).
Genome position (GRCh38, 1-based): chrX:120,431,352, G>A on the plus strand (C>T on the coding strand, the complement: LAMP2 is on the minus strand). VCF-style: chrX-120431352-G-A. GRCh37 (hg19) VCF-style: chrX-119565207-G-A.
Other names: c.1094-2726C>T (NM_001122606.1); short protein forms H402Y.
Identifiers: ClinVar variation 1748376 (VCV001748376.6), dbSNP rs1418868953, ClinGen allele CA414398112.